The following is an entry in ClinVar:

ClinVar aggregate classification (germline): Uncertain significance (1 of 4 stars; one submission).

Submission:

CeGaT Center for Human Genetics Tuebingen
Classification: Uncertain significance. Last evaluated: 2025-10-01. Review status: criteria provided, single submitter. Criteria: CeGaT Center For Human Genetics Tuebingen Variant Classification Criteria Version 2. Collection method: clinical testing. Allele origin: germline. Affected: yes. Observed: 1 variant allele.
Comment: ACTN2: PM2

NM_001103.4(ACTN2):c.125A>G (p.Lys42Arg)

Gene: ACTN2 (actinin alpha 2; plus strand). Cytogenetic location: 1q43.
Variant type: single nucleotide variant.
Coding change: c.125A>G on transcript NM_001103.4 (MANE Select); coding-DNA position 125, A replaced by G.
Protein change: p.Lys42Arg; replaces lysine 42 with arginine.
Molecular consequence: missense variant. On other transcripts: non-coding transcript variant (1).
Genome position (GRCh38, 1-based): chr1:236,686,798, A>G. VCF-style: chr1-236686798-A-G. GRCh37 (hg19) VCF-style: chr1-236850098-A-G.
Other names: c.125A>G, p.Lys42Arg (NM_001278343.2); short protein forms K42R.
Identifiers: ClinVar variation 4534912 (VCV004534912.6).